The following is an entry in ClinVar:

NM_000548.5(TSC2):c.*7G>T

Gene: TSC2 (TSC complex subunit 2; plus strand). Cytogenetic location: 16p13.3.
Variant type: single nucleotide variant.
Coding change: c.*7G>T on transcript NM_000548.5 (MANE Select); 7 bases downstream of the stop codon, G replaced by T.
Molecular consequence: 3 prime UTR variant. On other transcripts: non-coding transcript variant (5).
Genome position (GRCh38, 1-based): chr16:2,088,617, G>T. VCF-style: chr16-2088617-G-T. GRCh37 (hg19) VCF-style: chr16-2138618-G-T.
Other names: c.*7G>T (NM_021055.3, NM_001077183.3, NM_001114382.3 and 39 more transcripts).
Identifiers: ClinVar variation 4071156 (VCV004071156.1).

ClinVar aggregate classification (germline): Benign (1 of 4 stars; one submission).

Conditions:
Tuberous sclerosis 2 (TSC2). Identifiers: Orphanet 805, MedGen C1860707, MONDO:0013199, OMIM 613254.

Submission:

Myriad Genetics, Inc.
Classification: Benign for Tuberous sclerosis 2. Last evaluated: 2025-06-09. Review status: criteria provided, single submitter. Criteria: Myriad Autosomal Dominant, Autosomal Recessive and X-Linked Classification Criteria (2023). Collection method: clinical testing. Allele origin: unknown.
Comment: This variant is considered benign. This variant occurs in the non-coding 3' untranslated region of the gene, and is not expected to impact protein function.